The following is an entry in ClinVar:

NM_001351132.2(PEX5):c.1384C>G (p.Leu462Val)

Gene: PEX5 (peroxisomal biogenesis factor 5; plus strand). Cytogenetic location: 12p13.31.
Variant type: single nucleotide variant.
Coding change: c.1384C>G on transcript NM_001351132.2 (MANE Select); coding-DNA position 1384, C replaced by G.
Protein change: p.Leu462Val; replaces leucine 462 with valine.
Molecular consequence: missense variant.
Genome position (GRCh38, 1-based): chr12:7,208,659, C>G. VCF-style: chr12-7208659-C-G. GRCh37 (hg19) VCF-style: chr12-7361255-C-G.
Other names: c.1360C>G, p.Leu454Val (NM_000319.5); c.1429C>G, p.Leu477Val (NM_001131023.2); c.1273C>G, p.Leu425Val (NM_001131024.2, NM_001351124.3, NM_001351126.2 and 7 more transcripts); c.1384C>G, p.Leu462Val (NM_001131025.2, NM_001131026.2, NM_001300789.3 and 4 more transcripts); c.1318C>G, p.Leu440Val (NM_001351135.3, NM_001351138.2); c.1375C>G, p.Leu459Val (NM_001351136.2); c.1249C>G, p.Leu417Val (NM_001351139.2, NM_001351140.2, NM_001374649.2); short protein forms L462V, L440V, L477V, L459V, L417V, L425V, L454V.
Identifiers: ClinVar variation 1376672 (VCV001376672.4), dbSNP rs774709242, ClinGen allele CA232476048.

ClinVar aggregate classification (germline): Uncertain significance (1 of 4 stars; one submission).

Conditions:
Peroxisome biogenesis disorder 2B (PBD2B). Identifiers: Orphanet 44, MedGen C3550234, MONDO:0008736, OMIM 202370.

gnomAD v4.1: 22 of 1,612,962 alleles (0.0014%); highest among the groups gnomAD compares: Admixed American, 0.013%; no homozygotes.

Submission:

Labcorp Genetics (formerly Invitae), Labcorp
Classification: Uncertain significance for Peroxisome biogenesis disorder 2B. Last evaluated: 2024-10-16. Review status: criteria provided, single submitter. Criteria: Invitae Variant Classification Sherloc (09022015). Collection method: clinical testing. Allele origin: germline.
Comment: This sequence change replaces leucine, which is neutral and non-polar, with valine, which is neutral and non-polar, at codon 462 of the PEX5 protein (p.Leu462Val). This variant is present in population databases (no rsID available, gnomAD 0.01%). This variant has not been reported in the literature in individuals affected with PEX5-related conditions. ClinVar contains an entry for this variant (Variation ID: 1376672). Invitae Evidence Modeling of protein sequence and biophysical properties (such as structural, functional, and spatial information, amino acid conservation, physicochemical variation, residue mobility, and thermodynamic stability) indicates that this missense variant is not expected to disrupt PEX5 protein function with a negative predictive value of 80%. In summary, the available evidence is currently insufficient to determine the role of this variant in disease. Therefore, it has been classified as a Variant of Uncertain Significance.